The following is an entry in ClinVar:

NM_002386.4(MC1R):c.670C>T (p.Leu224Phe)

Gene: MC1R (melanocortin 1 receptor; plus strand). Cytogenetic location: 16q24.3.
Variant type: single nucleotide variant.
Coding change: c.670C>T on transcript NM_002386.4 (MANE Select); coding-DNA position 670, C replaced by T.
Protein change: p.Leu224Phe; replaces leucine 224 with phenylalanine.
Molecular consequence: missense variant.
Genome position (GRCh38, 1-based): chr16:89,919,928, C>T. VCF-style: chr16-89919928-C-T. GRCh37 (hg19) VCF-style: chr16-89986336-C-T.
Other names: short protein forms L224F.
Identifiers: ClinVar variation 568821 (VCV000568821.12), dbSNP rs772601310, ClinGen allele CA8255708.

ClinVar aggregate classification (germline): Uncertain significance. Review status: criteria provided, multiple submitters, no conflicts (2 of 4 stars). 2 submissions from 2 submitters: Uncertain significance (2). Last evaluated 2025-05-05.

Conditions:
Melanoma, cutaneous malignant, susceptibility to, 5. Also called: Cutaneous malignant melanoma 5. Identifiers: Orphanet 618, MedGen C2751295, MONDO:0013133, OMIM 613099.

Allele frequency attached by ClinVar (database versions not stated): gnomAD exomes below 0.00001; gnomAD 0.00001; ExAC 0.00002; TOPMed 0.00002.

Submissions (2):

Labcorp Genetics (formerly Invitae), Labcorp
Classification: Uncertain significance for Melanoma, cutaneous malignant, susceptibility to, 5. Last evaluated: 2025-05-05. Review status: criteria provided, single submitter. Criteria: Invitae Variant Classification Sherloc (09022015). Collection method: clinical testing. Allele origin: germline.
Comment: This sequence change replaces leucine, which is neutral and non-polar, with phenylalanine, which is neutral and non-polar, at codon 224 of the MC1R protein (p.Leu224Phe). This variant is present in population databases (rs772601310, gnomAD 0.002%). This variant has not been reported in the literature in individuals affected with MC1R-related conditions. ClinVar contains an entry for this variant (Variation ID: 568821). Invitae Evidence Modeling of protein sequence and biophysical properties (such as structural, functional, and spatial information, amino acid conservation, physicochemical variation, residue mobility, and thermodynamic stability) indicates that this missense variant is not expected to disrupt MC1R protein function with a negative predictive value of 80%. In summary, the available evidence is currently insufficient to determine the role of this variant in disease. Therefore, it has been classified as a Variant of Uncertain Significance.

Ambry Genetics
Classification: Uncertain significance. Last evaluated: 2024-12-02. Review status: criteria provided, single submitter. Criteria: Ambry Variant Classification Scheme 2023. Collection method: clinical testing. Allele origin: germline.
Comment: The p.L224F variant (also known as c.670C>T), located in coding exon 1 of the MC1R gene, results from a C to T substitution at nucleotide position 670. The leucine at codon 224 is replaced by phenylalanine, an amino acid with highly similar properties. This amino acid position is conserved. In addition, this alteration is predicted to be tolerated by in silico analysis. Based on the available evidence, the clinical significance of this variant remains unclear.